The following is an entry in ClinVar:

NM_014264.5(PLK4):c.1538A>G (p.Asp513Gly)

Gene: PLK4 (polo like kinase 4; plus strand). Cytogenetic location: 4q28.1.
Variant type: single nucleotide variant.
Coding change: c.1538A>G on transcript NM_014264.5 (MANE Select); coding-DNA position 1538, A replaced by G.
Protein change: p.Asp513Gly; replaces aspartic acid 513 with glycine.
Molecular consequence: missense variant.
Genome position (GRCh38, 1-based): chr4:127,889,944, A>G. VCF-style: chr4-127889944-A-G. GRCh37 (hg19) VCF-style: chr4-128811099-A-G.
Other names: c.1442A>G, p.Asp481Gly (NM_001190799.2); c.1415A>G, p.Asp472Gly (NM_001190801.2); short protein forms D472G, D481G, D513G.
Identifiers: ClinVar variation 1051602 (VCV001051602.5), dbSNP rs534461598, ClinGen allele CA3076801.

ClinVar aggregate classification (germline): Uncertain significance (1 of 4 stars; one submission).

Allele frequency attached by ClinVar (database versions not stated): TOPMed below 0.00001; ExAC 0.00001; gnomAD 0.00001; gnomAD exomes 0.00001 and 0.00002; 1000 Genomes Project 30x 0.00016; 1000 Genomes Project 0.00020.

Submission:

Labcorp Genetics (formerly Invitae), Labcorp
Classification: Uncertain significance. Last evaluated: 2025-07-10. Review status: criteria provided, single submitter. Criteria: Invitae Variant Classification Sherloc (09022015). Collection method: clinical testing. Allele origin: germline.
Comment: This sequence change replaces aspartic acid, which is acidic and polar, with glycine, which is neutral and non-polar, at codon 513 of the PLK4 protein (p.Asp513Gly). This variant is present in population databases (rs534461598, gnomAD 0.01%). This variant has not been reported in the literature in individuals affected with PLK4-related conditions. ClinVar contains an entry for this variant (Variation ID: 1051602). An algorithm developed to predict the effect of missense changes on protein structure and function outputs the following: PolyPhen-2: "Benign". The glycine amino acid residue is found in multiple mammalian species, which suggests that this missense change does not adversely affect protein function. In summary, the available evidence is currently insufficient to determine the role of this variant in disease. Therefore, it has been classified as a Variant of Uncertain Significance.